The following is an entry in ClinVar:

NM_000124.4(ERCC6):c.1212_1213del (p.Lys405fs)

Genes: ERCC6 (ERCC excision repair 6, chromatin remodeling factor; minus strand), PGBD3 (piggyBac transposable element derived 3; minus strand). Cytogenetic location: 10q11.23.
Variant type: Deletion.
Coding change: c.1212_1213del on transcript NM_000124.4 (MANE Select); coding-DNA positions 1212 to 1213, 2 bases deleted (GA; older notation c.1212_1213delGA).
Protein change: p.Lys405fs; shifts the reading frame from lysine 405.
Molecular consequence: frameshift variant. On other transcripts: 5 prime UTR variant (1).
Genome position (GRCh38, 1-based): chr10:49,524,217-49,524,218, TC deleted on the plus strand (GA on the coding strand, the reverse complement: ERCC6 is on the minus strand). VCF-style (leftmost placement, unchanged base first): chr10-49524216-TTC-T. GRCh37 (hg19) VCF-style: chr10-50732262-TTC-T.
Other names: c.1212_1213del, p.Lys405fs (NM_001277058.2, NM_001277059.2, NM_001346440.2); c.-193_-192del (NM_170753.3); short protein forms K405fs.
Identifiers: ClinVar variation 1724728 (VCV001724728.2), dbSNP rs2496138686, ClinGen allele CA2580081555.

ClinVar aggregate classification (germline): Likely pathogenic (1 of 4 stars; one submission).

Conditions:
Cockayne syndrome type 2 (CSB). Also called: COCKAYNE SYNDROME B; Cockayne Syndrome, Type II. Identifiers: Orphanet 191, Orphanet 90322, MedGen C0751038, MONDO:0019570, OMIM 133540.

Submission:

Myriad Genetics, Inc.
Classification: Likely pathogenic for Cockayne syndrome type 2. Last evaluated: 2022-02-25. Review status: criteria provided, single submitter. Criteria: Myriad Women's Health Autosomal Recessive and X-Linked Classification Criteria (2021). Collection method: clinical testing. Allele origin: unknown.
Comment: NM_000124.2(ERCC6):c.1212_1213delGA(K405Afs*18) is expected to be pathogenic in the context of ERCC6-related disorders. This variant is predicted to lead to an abnormal or absent protein product due to the creation of a premature termination codon in ERCC6, a gene where loss-of-function variants are known to be pathogenic. Please note: this variant was assessed in the context of healthy population screening.